The following is an entry in ClinVar:

ClinVar aggregate classification (germline): Conflicting classifications of pathogenicity. Review status: criteria provided, conflicting classifications (1 of 4 stars). 5 submissions from 5 submitters: Uncertain significance (4); Likely benign (1). Last evaluated 2026-01-01.

Conditions:
Arrhythmogenic cardiomyopathy with wooly hair and keratoderma. Also called: Arrhythmogenic cardiomyopathy with woolly hair and keratoderma; PALMOPLANTAR KERATODERMA WITH LEFT VENTRICULAR CARDIOMYOPATHY AND WOOLLY HAIR; Carvajal syndrome; Dilated cardiomyopathy with woolly hair and keratoderma. Identifiers: Orphanet 65282, MedGen C1854063, MONDO:0011581, OMIM 605676.
Arrhythmogenic right ventricular dysplasia 8 (ARVD8). Also called: Arrhythmogenic Right Ventricular Dysplasia/Cardiomyopathy 8; ARRHYTHMOGENIC RIGHT VENTRICULAR DYSPLASIA, FAMILIAL, 8; ARRHYTHMOGENIC RIGHT VENTRICULAR CARDIOMYOPATHY 8. Identifiers: MedGen C1843896, MONDO:0011831, OMIM 607450.
Cardiomyopathy (CMYO). Also called: Cardiomyopathies. Identifiers: Orphanet 167848, MedGen C0878544, MONDO:0004994, HP:0001638. Inheritance: Various modes of inheritance.
Cardiovascular phenotype. Identifiers: MedGen CN230736.

Allele frequency attached by ClinVar (database versions not stated): TOPMed below 0.00001.
gnomAD v4.1: 4 of 1,614,200 alleles (0.00025%); highest among the groups gnomAD compares: Admixed American, 0.0017%; no homozygotes.

Submissions (5):

CeGaT Center for Human Genetics Tuebingen
Classification: Uncertain significance. Last evaluated: 2026-01-01. Review status: criteria provided, single submitter. Criteria: CeGaT Center For Human Genetics Tuebingen Variant Classification Criteria Version 2. Collection method: clinical testing. Allele origin: germline. Affected: yes. Observed: 1 variant allele.
Comment: DSP: PM2

Labcorp Genetics (formerly Invitae), Labcorp
Classification: Likely benign for Arrhythmogenic cardiomyopathy with wooly hair and keratoderma; Arrhythmogenic right ventricular dysplasia 8. Last evaluated: 2025-10-21. Review status: criteria provided, single submitter. Criteria: Invitae Variant Classification Sherloc (09022015). Collection method: clinical testing. Allele origin: germline.

GeneDx
Classification: Uncertain significance. Last evaluated: 2024-12-17. Review status: criteria provided, single submitter. Criteria: GeneDx Variant Classification Process June 2021. Collection method: clinical testing. Allele origin: germline. Affected: yes.
Comment: Not observed at significant frequency in large population cohorts (gnomAD); In silico analysis supports that this missense variant has a deleterious effect on protein structure/function; Has not been previously published as pathogenic or benign to our knowledge

Color Diagnostics, LLC DBA Color Health
Classification: Uncertain significance for Cardiomyopathy. Last evaluated: 2024-03-07. Review status: criteria provided, single submitter. Criteria: ACMG Guidelines, 2015. Collection method: clinical testing. Allele origin: germline.
Comment: This missense variant replaces glutamine with histidine at codon 2667 of the DSP protein. Computational prediction suggests that this variant may not impact protein structure and function (internally defined REVEL score threshold <= 0.5, PMID: 27666373). To our knowledge, functional studies have not been reported for this variant. This variant has not been reported in individuals affected with cardiovascular disorders in the literature. This variant has been identified in 2/250944 chromosomes in the general population by the Genome Aggregation Database (gnomAD). The available evidence is insufficient to determine the role of this variant in disease conclusively. Therefore, this variant is classified as a Variant of Uncertain Significance.

Ambry Genetics
Classification: Uncertain significance for Cardiovascular phenotype. Last evaluated: 2023-04-17. Review status: criteria provided, single submitter. Criteria: Ambry Variant Classification Scheme 2023. Collection method: clinical testing. Allele origin: germline.
Comment: The p.Q2667H variant (also known as c.8001G>C), located in coding exon 24 of the DSP gene, results from a G to C substitution at nucleotide position 8001. The glutamine at codon 2667 is replaced by histidine, an amino acid with highly similar properties. This amino acid position is conserved. In addition, this alteration is predicted to be tolerated by in silico analysis. Since supporting evidence is limited at this time, the clinical significance of this alteration remains unclear.

NM_004415.4(DSP):c.8001G>C (p.Gln2667His)

Gene: DSP (desmoplakin; plus strand). Cytogenetic location: 6p24.3.
Variant type: single nucleotide variant.
Coding change: c.8001G>C on transcript NM_004415.4 (MANE Select); coding-DNA position 8001, G replaced by C.
Protein change: p.Gln2667His; replaces glutamine 2667 with histidine.
Molecular consequence: missense variant.
Genome position (GRCh38, 1-based): chr6:7,585,263, G>C. VCF-style: chr6-7585263-G-C. GRCh37 (hg19) VCF-style: chr6-7585496-G-C.
Other names: c.6204G>C, p.Gln2068His (NM_001008844.3); c.6672G>C, p.Gln2224His (NM_001319034.2); short protein forms Q2068H, Q2224H, Q2667H.
Identifiers: ClinVar variation 1171055 (VCV001171055.11), dbSNP rs758047603, ClinGen allele CA051368.
Genomic context (GRCh38, chr6:7,585,263, plus strand): 5'-TCAGAGGCTTCTGGAGGCTCAGGCCTGCACAGGTGGCATCATCCACCCAACCACGGGCCA[G>C]AAGCTGTCACTTCAGGACGCAGTCTCCCAGGGTGTGATTGACCAAGACATGGCCACCAGG-3'
Protein context (NP_004406.2, residues 2657-2677): TGGIIHPTTG[Gln2667His]KLSLQDAVSQ